The following is an entry in ClinVar:

ClinVar aggregate classification (germline): Uncertain significance (1 of 4 stars; one submission).

Allele frequency attached by ClinVar (database versions not stated): ExAC 0.00001.
gnomAD v4.1: 6 of 1,613,744 alleles (0.00037%); highest among the groups gnomAD compares: African/African-American, 0.0027%; no homozygotes.

Submission:

Labcorp Genetics (formerly Invitae), Labcorp
Classification: Uncertain significance. Last evaluated: 2023-11-27. Review status: criteria provided, single submitter. Criteria: Invitae Variant Classification Sherloc (09022015). Collection method: clinical testing. Allele origin: germline.
Comment: This sequence change replaces tyrosine, which is neutral and polar, with phenylalanine, which is neutral and non-polar, at codon 339 of the DGAT1 protein (p.Tyr339Phe). This variant is present in population databases (rs782372012, gnomAD 0.0009%). This variant has not been reported in the literature in individuals affected with DGAT1-related conditions. Advanced modeling of protein sequence and biophysical properties (such as structural, functional, and spatial information, amino acid conservation, physicochemical variation, residue mobility, and thermodynamic stability) performed at Invitae indicates that this missense variant is not expected to disrupt DGAT1 protein function with a negative predictive value of 80%. In summary, the available evidence is currently insufficient to determine the role of this variant in disease. Therefore, it has been classified as a Variant of Uncertain Significance.

NM_012079.6(DGAT1):c.1016A>T (p.Tyr339Phe)

Genes: DGAT1 (diacylglycerol O-acyltransferase 1; minus strand), LOC130001383 (ATAC-STARR-seq lymphoblastoid active region 28093; plus strand). Cytogenetic location: 8q24.3.
Variant type: single nucleotide variant.
Coding change: c.1016A>T on transcript NM_012079.6 (MANE Select); coding-DNA position 1016, A replaced by T.
Protein change: p.Tyr339Phe; replaces tyrosine 339 with phenylalanine.
Molecular consequence: missense variant.
Genome position (GRCh38, 1-based): chr8:144,317,411, T>A on the plus strand (A>T on the coding strand, the complement: DGAT1 is on the minus strand). VCF-style: chr8-144317411-T-A. GRCh37 (hg19) VCF-style: chr8-145541074-T-A.
Other names: short protein forms Y339F.
Identifiers: ClinVar variation 2960389 (VCV002960389.2), dbSNP rs782372012, ClinGen allele CA4936703.